The following is an entry in ClinVar:

NM_002471.4(MYH6):c.3140G>A (p.Arg1047His)

Gene: MYH6 (myosin heavy chain 6; minus strand). Cytogenetic location: 14q11.2.
Variant type: single nucleotide variant.
Coding change: c.3140G>A on transcript NM_002471.4 (MANE Select); coding-DNA position 3140, G replaced by A.
Protein change: p.Arg1047His; replaces arginine 1047 with histidine.
Molecular consequence: missense variant.
Genome position (GRCh38, 1-based): chr14:23,393,023, C>T on the plus strand (G>A on the coding strand, the complement: MYH6 is on the minus strand). VCF-style: chr14-23393023-C-T. GRCh37 (hg19) VCF-style: chr14-23862232-C-T.
Other names: short protein forms R1047H.
Identifiers: ClinVar variation 264390 (VCV000264390.33), dbSNP rs775843647, ClinGen allele CA7115292.
Genomic context (GRCh38, chr14:23,393,023, plus strand): 5'-CTCTCCTGGGTCAGCTTCAGGTCGCCCTCCAGTTTCCGCTTTGCTCGCTCCAGGTCCATG[C>T]GCACCTTCTTCTCTTGCTCTAGGGATCCCTCCAGCTGTTGGAGGGAAGAAAATAAGCAAA-3'
Protein context (NP_002462.2, residues 1037-1057): EGSLEQEKKV[Arg1047His]MDLERAKRKL

ClinVar aggregate classification (germline): Uncertain significance. Review status: criteria provided, multiple submitters, no conflicts (2 of 4 stars). 7 submissions from 7 submitters: Uncertain significance (4). 3 of the submissions do not count toward it. Last evaluated 2025-05-03.

Conditions:
MYH6-related disorder. Also called: MYH6-Related Disorders; MYH6-related condition.
Sick sinus syndrome 3, susceptibility to (SSS3). Identifiers: Orphanet 166282, MedGen C3279791, MONDO:0013568, OMIM 614090.
Hypertrophic cardiomyopathy 1 (CMH1). Also called: MYH7-Related Familial Hypertrophic Cardiomyopathy; Familial hypertrophic cardiomyopathy 1. Identifiers: MedGen C3495498, MONDO:0008647, OMIM 192600.
Dilated cardiomyopathy 1EE (CMD1EE). Identifiers: Orphanet 154, MedGen C2750466, MONDO:0013198, OMIM 613252.
Hypertrophic cardiomyopathy 14. Identifiers: MedGen C2750467, MONDO:0013197, OMIM 613251.
Atrial septal defect 3 (ASD3). Identifiers: Orphanet 1478, MedGen C3279790, MONDO:0013567, OMIM 614089.
Cardiovascular phenotype. Identifiers: MedGen CN230736.

Allele frequency attached by ClinVar (database versions not stated): ExAC 0.00001; gnomAD 0.00001; gnomAD exomes 0.00002; TOPMed 0.00002.

Submissions (7):

Ambry Genetics
Classification: Uncertain significance for Cardiovascular phenotype. Last evaluated: 2025-05-03. Review status: criteria provided, single submitter. Criteria: Ambry Variant Classification Scheme 2023. Collection method: clinical testing. Allele origin: germline.
Comment: The p.R1047H variant (also known as c.3140G>A), located in coding exon 22 of the MYH6 gene, results from a G to A substitution at nucleotide position 3140. The arginine at codon 1047 is replaced by histidine, an amino acid with highly similar properties. This amino acid position is highly conserved in available vertebrate species. In addition, the in silico prediction for this alteration is inconclusive. Since supporting evidence is limited at this time, the clinical significance of this alteration remains unclear.

Labcorp Genetics (formerly Invitae), Labcorp
Classification: Uncertain significance for Hypertrophic cardiomyopathy 14. Last evaluated: 2025-02-04. Review status: criteria provided, single submitter. Criteria: Invitae Variant Classification Sherloc (09022015). Collection method: clinical testing. Allele origin: germline.
Comment: This sequence change replaces arginine, which is basic and polar, with histidine, which is basic and polar, at codon 1047 of the MYH6 protein (p.Arg1047His). This variant is present in population databases (rs775843647, gnomAD 0.003%). This variant has not been reported in the literature in individuals affected with MYH6-related conditions. ClinVar contains an entry for this variant (Variation ID: 264390). Invitae Evidence Modeling of protein sequence and biophysical properties (such as structural, functional, and spatial information, amino acid conservation, physicochemical variation, residue mobility, and thermodynamic stability) indicates that this missense variant is expected to disrupt MYH6 protein function with a positive predictive value of 80%. In summary, the available evidence is currently insufficient to determine the role of this variant in disease. Therefore, it has been classified as a Variant of Uncertain Significance.

PreventionGenetics, part of Exact Sciences
Classification: Uncertain significance for MYH6-related condition. Last evaluated: 2022-10-04. Review status: criteria provided, single submitter. Criteria: ACMG Guidelines, 2015. Collection method: clinical testing. Allele origin: germline.
Comment: The MYH6 c.3140G>A variant is predicted to result in the amino acid substitution p.Arg1047His. To our knowledge, this variant has not been reported in the literature. This variant is reported in 0.0033% of alleles in individuals of South Asian descent in gnomAD. Of note, different amino acid substitutions affecting this residue (p.Arg1047Ser, p.Arg1047Cys) have been reported individuals with dilated cardiomyopathy; however, no evidence was provided to support their pathogenicity (Table S4 - Verdonschot et al. 2020. PubMed ID: 32880476; Zhao et al. 2015. PubMed ID: 26458567). At this time, the clinical significance of this variant is uncertain due to the absence of conclusive functional and genetic evidence.

Fulgent Genetics
Classification: Uncertain significance for Hypertrophic cardiomyopathy 1; Hypertrophic cardiomyopathy 14; Dilated cardiomyopathy 1EE; Atrial septal defect 3; Sick sinus syndrome 3, susceptibility to. Last evaluated: 2021-08-11. Review status: criteria provided, single submitter. Criteria: ACMG Guidelines, 2015. Collection method: clinical testing. Allele origin: unknown.

Diagnostic Laboratory, Department of Genetics, University Medical Center Groningen
Classification: Uncertain significance. Review status: no assertion criteria provided. Collection method: clinical testing. Allele origin: germline. Affected: yes. Study: VKGL Data-share Consensus. Not counted in ClinVar's aggregate classification.

Joint Genome Diagnostic Labs from Nijmegen and Maastricht, Radboudumc and MUMC+
Classification: Uncertain significance. Review status: no assertion criteria provided. Collection method: clinical testing. Allele origin: germline. Affected: yes. Study: VKGL Data-share Consensus. Not counted in ClinVar's aggregate classification.

Laboratory of Diagnostic Genome Analysis, Leiden University Medical Center (LUMC)
Classification: Uncertain significance. Review status: no assertion criteria provided. Collection method: clinical testing. Allele origin: germline. Affected: yes. Study: VKGL Data-share Consensus. Not counted in ClinVar's aggregate classification.